The following is an entry in ClinVar:

ClinVar aggregate classification (germline): Uncertain significance (1 of 4 stars; one submission).

Conditions:
Inborn genetic diseases. Identifiers: MedGen C0950123, MeSH D030342.

Submission:

Ambry Genetics
Classification: Uncertain significance for Inborn genetic diseases. Last evaluated: 2026-08-08. Review status: criteria provided, single submitter. Criteria: Ambry Variant Classification Scheme 2023. Collection method: clinical testing. Allele origin: germline.
Comment: The p.P181S variant (also known as c.541C>T), located in coding exon 4 of the MECOM gene, results from a C to T substitution at nucleotide position 541. The proline at codon 181 is replaced by serine, an amino acid with similar properties. This amino acid position is conserved. In addition, the in silico prediction for this alteration is inconclusive. Based on the available evidence, the clinical significance of this variant remains unclear.

NM_004991.4(MECOM):c.541C>T (p.Pro181Ser)

Gene: MECOM (MDS1 and EVI1 complex locus; minus strand). Cytogenetic location: 3q26.2.
Variant type: single nucleotide variant.
Coding change: c.541C>T on transcript NM_004991.4 (MANE Select); coding-DNA position 541, C replaced by T.
Protein change: p.Pro181Ser; replaces proline 181 with serine.
Molecular consequence: missense variant. On other transcripts: 5 prime UTR variant (12).
Genome position (GRCh38, 1-based): chr3:169,131,501, G>A on the plus strand (C>T on the coding strand, the complement: MECOM is on the minus strand). VCF-style: chr3-169131501-G-A. GRCh37 (hg19) VCF-style: chr3-168849289-G-A.
Other names: c.169C>T, p.Pro57Ser (NM_001105077.4); c.-24C>T (NM_001105078.4, NM_001163999.2, NM_001164000.2 and 9 more transcripts); c.541C>T, p.Pro181Ser (NM_001366466.2, NM_001366473.2); short protein forms P57S, P181S.
Identifiers: ClinVar variation 5024177 (VCV005024177.1).